The following is an entry in ClinVar:

NM_000302.4(PLOD1):c.652G>A (p.Val218Met)

Gene: PLOD1 (procollagen-lysine,2-oxoglutarate 5-dioxygenase 1; plus strand). Cytogenetic location: 1p36.22.
Variant type: single nucleotide variant.
Coding change: c.652G>A on transcript NM_000302.4 (MANE Select); coding-DNA position 652, G replaced by A.
Protein change: p.Val218Met; replaces valine 218 with methionine.
Molecular consequence: missense variant.
Genome position (GRCh38, 1-based): chr1:11,956,925, G>A. VCF-style: chr1-11956925-G-A. GRCh37 (hg19) VCF-style: chr1-12016982-G-A.
Other names: c.793G>A, p.Val265Met (NM_001316320.2); short protein forms V218M, V265M.
Identifiers: ClinVar variation 520121 (VCV000520121.32), dbSNP rs372534520, ClinGen allele CA598045.

ClinVar aggregate classification (germline): Uncertain significance. Review status: criteria provided, multiple submitters, no conflicts (2 of 4 stars). 5 submissions from 5 submitters: Uncertain significance (5). Last evaluated 2025-12-19.

Conditions:
Ehlers-Danlos syndrome, kyphoscoliotic type 1 (EDSKSCL1). Also called: PLOD1-Related Kyphoscoliotic Ehlers-Danlos Syndrome; Ehlers-Danlos syndrome, hydroxylysine-deficient; EHLERS-DANLOS SYNDROME, TYPE VIA; EHLERS-DANLOS SYNDROME, OCULAR-SCOLIOTIC TYPE. Identifiers: Orphanet 1900, MedGen C0268342, MONDO:0016002, OMIM 225400. Disease mechanism: loss of function.
Familial thoracic aortic aneurysm and aortic dissection (TAAD). Also called: Thoracic aortic aneurysms and dissections. Identifiers: Orphanet 91387, MedGen C4707243, MONDO:0019625.

Allele frequency attached by ClinVar (database versions not stated): TOPMed 0.00006; ESP Exome Variant Server 0.00008.
gnomAD v4.1: 58 of 1,612,198 alleles (0.0036%); highest among the groups gnomAD compares: South Asian, 0.011%; no homozygotes.

Submissions (5):

Ambry Genetics
Classification: Uncertain significance for Familial thoracic aortic aneurysm and aortic dissection. Last evaluated: 2025-12-19. Review status: criteria provided, single submitter. Criteria: Ambry Variant Classification Scheme 2023. Collection method: clinical testing. Allele origin: germline.
Comment: The p.V218M variant (also known as c.652G>A), located in coding exon 7 of the PLOD1 gene, results from a G to A substitution at nucleotide position 652. The valine at codon 218 is replaced by methionine, an amino acid with highly similar properties. This amino acid position is highly conserved in available vertebrate species. In addition, the in silico prediction for this alteration is inconclusive. Since supporting evidence is limited at this time, the clinical significance of this alteration remains unclear.

Labcorp Genetics (formerly Invitae), Labcorp
Classification: Uncertain significance for Ehlers-Danlos syndrome, kyphoscoliotic type 1. Last evaluated: 2024-11-21. Review status: criteria provided, single submitter. Criteria: Invitae Variant Classification Sherloc (09022015). Collection method: clinical testing. Allele origin: germline.
Comment: This sequence change replaces valine, which is neutral and non-polar, with methionine, which is neutral and non-polar, at codon 218 of the PLOD1 protein (p.Val218Met). This variant is present in population databases (rs372534520, gnomAD 0.01%). This variant has not been reported in the literature in individuals affected with PLOD1-related conditions. ClinVar contains an entry for this variant (Variation ID: 520121). Invitae Evidence Modeling of protein sequence and biophysical properties (such as structural, functional, and spatial information, amino acid conservation, physicochemical variation, residue mobility, and thermodynamic stability) indicates that this missense variant is not expected to disrupt PLOD1 protein function with a negative predictive value of 95%. In summary, the available evidence is currently insufficient to determine the role of this variant in disease. Therefore, it has been classified as a Variant of Uncertain Significance.

CeGaT Center for Human Genetics Tuebingen
Classification: Uncertain significance. Last evaluated: 2024-05-01. Review status: criteria provided, single submitter. Criteria: CeGaT Center For Human Genetics Tuebingen Variant Classification Criteria Version 2. Collection method: clinical testing. Allele origin: germline. Affected: yes. Observed: 1 variant allele.
Comment: PLOD1: PM2

Blueprint Genetics
Classification: Uncertain significance. Last evaluated: 2023-03-02. Review status: criteria provided, single submitter. Criteria: ACMG Guidelines, 2015. Collection method: clinical testing. Allele origin: germline.

Center for Genomics, Ann and Robert H. Lurie Children's Hospital of Chicago
Classification: Uncertain significance for Ehlers-Danlos syndrome, kyphoscoliotic type 1. Last evaluated: 2021-03-30. Review status: criteria provided, single submitter. Criteria: ACMG Guidelines, 2015. Collection method: clinical testing. Allele origin: germline.
Comment: PLOD1 NM_000302.3 exon 7 p.Val218Met (c.652G>A): This variant has not been reported in the literature but is present in 0.01% (4/30616) of South Asian alleles in the Genome Aggregation Database. This variant is present in ClinVar (Variation ID:520121). Evolutionary conservation and computational predictive tools for this variant are unclear. In summary, data on this variant is insufficient for disease classification. Therefore, the clinical significance of this variant is uncertain.